The following is an entry in ClinVar:

ClinVar aggregate classification (germline): Likely benign (1 of 4 stars; one submission).

Conditions:
CLASP1-related disorder. Also called: CLASP1-related condition.

gnomAD v4.1: 3 of 1,613,720 alleles (0.00019%); highest among the groups gnomAD compares: African/African-American, 0.0013%; no homozygotes.

Submission:

PreventionGenetics, part of Exact Sciences
Classification: Likely benign for CLASP1-related condition. Last evaluated: 2026-07-04. Review status: criteria provided, single submitter. Criteria: ACMG Guidelines, 2015. Collection method: clinical testing. Allele origin: germline.
Comment: This variant is classified as likely benign based on ACMG/AMP sequence variant interpretation guidelines (Richards et al. 2015 PMID: 25741868, with internal and published modifications).

NM_001395891.1(CLASP1):c.450C>T (p.Cys150=)

Gene: CLASP1 (cytoplasmic linker associated protein 1; minus strand). Cytogenetic location: 2q14.2.
Variant type: single nucleotide variant.
Coding change: c.450C>T on transcript NM_001395891.1 (MANE Select); coding-DNA position 450, C replaced by T.
Protein change: p.Cys150=; no amino-acid change (cysteine 150 retained).
Molecular consequence: synonymous variant.
Genome position (GRCh38, 1-based): chr2:121,527,819, G>A on the plus strand (C>T on the coding strand, the complement: CLASP1 is on the minus strand). VCF-style: chr2-121527819-G-A. GRCh37 (hg19) VCF-style: chr2-122285395-G-A.
Other names: c.450C>T, p.Cys150= (NM_001142273.2, NM_001142274.2, NM_001207051.2 and 4 more transcripts).
Identifiers: ClinVar variation 4991545 (VCV004991545.1).